The following is an entry in ClinVar:

NM_000135.4(FANCA):c.2525C>G (p.Ser842Cys)

Gene: FANCA (FA complementation group A; minus strand). Cytogenetic location: 16q24.3.
Variant type: single nucleotide variant.
Coding change: c.2525C>G on transcript NM_000135.4 (MANE Select); coding-DNA position 2525, C replaced by G.
Protein change: p.Ser842Cys; replaces serine 842 with cysteine.
Molecular consequence: missense variant.
Genome position (GRCh38, 1-based): chr16:89,767,217, G>C on the plus strand (C>G on the coding strand, the complement: FANCA is on the minus strand). VCF-style: chr16-89767217-G-C. GRCh37 (hg19) VCF-style: chr16-89833625-G-C.
Other names: c.2525C>G, p.Ser842Cys (NM_001286167.3); short protein forms S842C.
Identifiers: ClinVar variation 1910874 (VCV001910874.3), dbSNP rs1251202116, ClinGen allele CA397440824.

ClinVar aggregate classification (germline): Uncertain significance. Review status: criteria provided, multiple submitters, no conflicts (2 of 4 stars). 2 submissions from 2 submitters: Uncertain significance (2). Last evaluated 2026-06-13.

Conditions:
Inborn genetic diseases. Identifiers: MedGen C0950123, MeSH D030342.
Fanconi anemia (FA). Also called: Fanconi's anemia. Identifiers: Orphanet 84, MedGen C0015625, MeSH D005199, MONDO:0019391.

Allele frequency attached by ClinVar (database versions not stated): TOPMed 0.00002.

Submissions (2):

Ambry Genetics
Classification: Uncertain significance for Inborn genetic diseases. Last evaluated: 2026-06-13. Review status: criteria provided, single submitter. Criteria: Ambry Variant Classification Scheme 2023. Collection method: clinical testing. Allele origin: germline.
Comment: The p.S842C variant (also known as c.2525C>G), located in coding exon 27 of the FANCA gene, results from a C to G substitution at nucleotide position 2525. The serine at codon 842 is replaced by cysteine, an amino acid with dissimilar properties. This amino acid position is conserved. In addition, the in silico prediction for this alteration is inconclusive. Based on the available evidence, the clinical significance of this variant remains unclear.

Labcorp Genetics (formerly Invitae), Labcorp
Classification: Uncertain significance for Fanconi anemia. Last evaluated: 2022-10-19. Review status: criteria provided, single submitter. Criteria: Invitae Variant Classification Sherloc (09022015). Collection method: clinical testing. Allele origin: germline.
Comment: This sequence change replaces serine, which is neutral and polar, with cysteine, which is neutral and slightly polar, at codon 842 of the FANCA protein (p.Ser842Cys). This variant is not present in population databases (gnomAD no frequency). This variant has not been reported in the literature in individuals affected with FANCA-related conditions. Advanced modeling of protein sequence and biophysical properties (such as structural, functional, and spatial information, amino acid conservation, physicochemical variation, residue mobility, and thermodynamic stability) performed at Invitae indicates that this missense variant is not expected to disrupt FANCA protein function. In summary, the available evidence is currently insufficient to determine the role of this variant in disease. Therefore, it has been classified as a Variant of Uncertain Significance.